The following is an entry in ClinVar:

ClinVar aggregate classification (germline): Uncertain significance (1 of 4 stars; one submission).

Allele frequency attached by ClinVar (database versions not stated): gnomAD exomes below 0.00001; gnomAD 0.00001.
gnomAD v4.1: 3 of 1,612,304 alleles (0.00019%); highest among the groups gnomAD compares: African/African-American, 0.0013%; no homozygotes.

Submission:

Labcorp Genetics (formerly Invitae), Labcorp
Classification: Uncertain significance. Last evaluated: 2022-06-27. Review status: criteria provided, single submitter. Criteria: Invitae Variant Classification Sherloc (09022015). Collection method: clinical testing. Allele origin: germline.
Comment: In summary, the available evidence is currently insufficient to determine the role of this variant in disease. Therefore, it has been classified as a Variant of Uncertain Significance. Advanced modeling of protein sequence and biophysical properties (such as structural, functional, and spatial information, amino acid conservation, physicochemical variation, residue mobility, and thermodynamic stability) performed at Invitae indicates that this missense variant is expected to disrupt LRP5 protein function. This variant has not been reported in the literature in individuals affected with LRP5-related conditions. This variant is not present in population databases (gnomAD no frequency). This sequence change replaces valine, which is neutral and non-polar, with methionine, which is neutral and non-polar, at codon 1204 of the LRP5 protein (p.Val1204Met).

NM_002335.4(LRP5):c.3610G>A (p.Val1204Met)

Gene: LRP5 (LDL receptor related protein 5; plus strand). Cytogenetic location: 11q13.2.
Variant type: single nucleotide variant.
Coding change: c.3610G>A on transcript NM_002335.4 (MANE Select); coding-DNA position 3610, G replaced by A.
Protein change: p.Val1204Met; replaces valine 1204 with methionine.
Molecular consequence: missense variant.
Genome position (GRCh38, 1-based): chr11:68,426,160, G>A. VCF-style: chr11-68426160-G-A. GRCh37 (hg19) VCF-style: chr11-68193628-G-A.
Other names: c.1867G>A, p.Val623Met (NM_001291902.2); short protein forms V1204M, V623M.
Identifiers: ClinVar variation 1474285 (VCV001474285.8), dbSNP rs11607268, ClinGen allele CA381622044.